The following is an entry in ClinVar:

ClinVar aggregate classification (germline): Uncertain significance (1 of 4 stars; one submission).

Conditions:
F8-related disorder. Also called: F8-related condition.

Allele frequency attached by ClinVar (database versions not stated): gnomAD exomes 0.00002; gnomAD 0.00005; TOPMed 0.00005; ESP Exome Variant Server 0.00009.
gnomAD v4.1: 29 of 1,208,084 alleles (0.0024%); highest among the groups gnomAD compares: Non-Finnish European, 0.0032%; no homozygotes.

Submission:

PreventionGenetics, part of Exact Sciences
Classification: Uncertain significance for F8-related condition. Last evaluated: 2023-01-22. Review status: criteria provided, single submitter. Criteria: ACMG Guidelines, 2015. Collection method: clinical testing. Allele origin: germline.
Comment: The F8 c.3674A>G variant is predicted to result in the amino acid substitution p.Gln1225Arg. To our knowledge, this variant has not been reported in the literature. This variant is reported in 0.0025% of alleles in individuals of European (Non-Finnish) descent in gnomAD, including one hemizygous individual. Although we suspect that this variant may be benign, at this time, the clinical significance of this variant is uncertain due to the absence of conclusive functional and genetic evidence.

NM_000132.4(F8):c.3674A>G (p.Gln1225Arg)

Gene: F8 (coagulation factor VIII; minus strand). Cytogenetic location: Xq28.
Variant type: single nucleotide variant.
Coding change: c.3674A>G on transcript NM_000132.4 (MANE Select); coding-DNA position 3674, A replaced by G.
Protein change: p.Gln1225Arg; replaces glutamine 1225 with arginine.
Molecular consequence: missense variant.
Genome position (GRCh38, 1-based): chrX:154,930,116, T>C on the plus strand (A>G on the coding strand, the complement: F8 is on the minus strand). VCF-style: chrX-154930116-T-C. GRCh37 (hg19) VCF-style: chrX-154158391-T-C.
Other names: short protein forms Q1225R.
Identifiers: ClinVar variation 2635986 (VCV002635986.1), dbSNP rs201205760, ClinGen allele CA337324949.
Genomic context (GRCh38, chrX:154,930,116, plus strand): 5'-TTCTTCATGAAATTCTTAGTGCCAGTCACTGTATGTATCTGAGGCAAAACTACATTCTCT[T>C]GGATTAATGTTTCCTTCTTTTCTATTTCTTCCTGAATTTTTTTTTCTTGATTGTGTGTAT-3'
Protein context (NP_000123.1, residues 1215-1235): EEIEKKETLI[Gln1225Arg]ENVVLPQIHT